The following is an entry in ClinVar:

ClinVar aggregate classification (germline): Benign. Review status: criteria provided, multiple submitters, no conflicts (2 of 4 stars). 3 submissions from 3 submitters: Benign (3). Last evaluated 2017-05-09.

Allele frequency attached by ClinVar (database versions not stated): ESP Exome Variant Server 0.03088; ExAC 0.03818; gnomAD 0.04221 and 0.04332; TOPMed 0.05525; 1000 Genomes Project 0.06230; 1000 Genomes Project 30x 0.06355; gnomAD exomes 0.07378.
gnomAD v4.1: 65,910 of 1,537,142 alleles (4.3%); highest among the groups gnomAD compares: Admixed American, 22%; 2,525 homozygotes.

Submissions (22):

GeneDx
Classification: Benign. Last evaluated: 2017-05-09. Review status: criteria provided, single submitter. Criteria: GeneDx Variant Classification (06012015). Collection method: clinical testing. Allele origin: germline. Affected: yes.
Comment: This variant is considered likely benign or benign based on one or more of the following criteria: it is a conservative change, it occurs at a poorly conserved position in the protein, it is predicted to be benign by multiple in silico algorithms, and/or has population frequency not consistent with disease.

Laboratory for Molecular Medicine, Mass General Brigham Personalized Medicine
Classification: Benign. Last evaluated: 2013-02-07. Review status: criteria provided, single submitter. Criteria: LMM Criteria. Collection method: clinical testing. Allele origin: germline. Observed: 66 variant alleles.
Comment: Arg24His in Exon 01D of TJP2: This variant is not expected to have clinical sign ificance because it has been identified in 3.7% (118/3182) of European American chromosomes from a broad population by the NHLBI Exome Sequencing Project (dbSNP rs4493966).

Breakthrough Genomics
Classification: Benign. Review status: criteria provided, single submitter. Criteria: ACMG Guidelines, 2015. Collection method: not provided. Allele origin: germline. Inheritance: Autosomal recessive inheritance. Affected: yes.

Dr. Peter K. Rogan Lab, Western University
No classification provided (evidence only). Condition: Chronic lymphocytic leukemia/small lymphocytic lymphoma. Review status: no classification provided. Collection method: in vitro. Allele origin: not applicable. Functional consequence: retained intron. Not counted in ClinVar's aggregate classification.

Dr. Peter K. Rogan Lab, Western University
No classification provided (evidence only). Condition: Chronic lymphocytic leukemia/small lymphocytic lymphoma. Review status: no classification provided. Collection method: in vitro. Allele origin: not applicable. Functional consequence: retained intron. Not counted in ClinVar's aggregate classification.

Dr. Peter K. Rogan Lab, Western University
No classification provided (evidence only). Condition: Nonpapillary renal cell carcinoma. Review status: no classification provided. Collection method: in vitro. Allele origin: not applicable. Functional consequence: cryptic splice site. Not counted in ClinVar's aggregate classification.

Dr. Peter K. Rogan Lab, Western University
No classification provided (evidence only). Condition: Familial pancreatic carcinoma. Review status: no classification provided. Collection method: in vitro. Allele origin: not applicable. Functional consequence: cryptic splice site. Not counted in ClinVar's aggregate classification.

Dr. Peter K. Rogan Lab, Western University
No classification provided (evidence only). Condition: Familial pancreatic carcinoma. Review status: no classification provided. Collection method: in vitro. Allele origin: not applicable. Functional consequence: cryptic splice site. Not counted in ClinVar's aggregate classification.

Dr. Peter K. Rogan Lab, Western University
No classification provided (evidence only). Condition: Familial pancreatic carcinoma. Review status: no classification provided. Collection method: in vitro. Allele origin: not applicable. Functional consequence: retained intron. Not counted in ClinVar's aggregate classification.

Dr. Peter K. Rogan Lab, Western University
No classification provided (evidence only). Condition: Familial pancreatic carcinoma. Review status: no classification provided. Collection method: in vitro. Allele origin: not applicable. Functional consequence: cryptic splice site, retained intron. Not counted in ClinVar's aggregate classification.

Dr. Peter K. Rogan Lab, Western University
No classification provided (evidence only). Condition: Familial pancreatic carcinoma. Review status: no classification provided. Collection method: in vitro. Allele origin: not applicable. Functional consequence: retained intron. Not counted in ClinVar's aggregate classification.

Dr. Peter K. Rogan Lab, Western University
No classification provided (evidence only). Condition: Familial pancreatic carcinoma. Review status: no classification provided. Collection method: in vitro. Allele origin: not applicable. Functional consequence: retained intron. Not counted in ClinVar's aggregate classification.

Dr. Peter K. Rogan Lab, Western University
No classification provided (evidence only). Condition: Familial pancreatic carcinoma. Review status: no classification provided. Collection method: in vitro. Allele origin: not applicable. Functional consequence: cryptic splice site, retained intron. Not counted in ClinVar's aggregate classification.

Dr. Peter K. Rogan Lab, Western University
No classification provided (evidence only). Condition: Familial pancreatic carcinoma. Review status: no classification provided. Collection method: in vitro. Allele origin: not applicable. Functional consequence: retained intron. Not counted in ClinVar's aggregate classification.

Dr. Peter K. Rogan Lab, Western University
No classification provided (evidence only). Condition: Hepatocellular carcinoma. Review status: no classification provided. Collection method: in vitro. Allele origin: not applicable. Functional consequence: cryptic splice site. Not counted in ClinVar's aggregate classification.

Dr. Peter K. Rogan Lab, Western University
No classification provided (evidence only). Condition: Hepatocellular carcinoma. Review status: no classification provided. Collection method: in vitro. Allele origin: not applicable. Functional consequence: retained intron. Not counted in ClinVar's aggregate classification.

Dr. Peter K. Rogan Lab, Western University
No classification provided (evidence only). Condition: Hepatocellular carcinoma. Review status: no classification provided. Collection method: in vitro. Allele origin: not applicable. Functional consequence: cryptic splice site, retained intron. Not counted in ClinVar's aggregate classification.

Dr. Peter K. Rogan Lab, Western University
No classification provided (evidence only). Condition: Hepatocellular carcinoma. Review status: no classification provided. Collection method: in vitro. Allele origin: not applicable. Functional consequence: cryptic splice site. Not counted in ClinVar's aggregate classification.

Dr. Peter K. Rogan Lab, Western University
No classification provided (evidence only). Condition: Lymphoma. Review status: no classification provided. Collection method: in vitro. Allele origin: not applicable. Functional consequence: cryptic splice site. Not counted in ClinVar's aggregate classification.

Dr. Peter K. Rogan Lab, Western University
No classification provided (evidence only). Condition: Ovarian cancer. Review status: no classification provided. Collection method: in vitro. Allele origin: not applicable. Functional consequence: cryptic splice site. Not counted in ClinVar's aggregate classification.

Dr. Peter K. Rogan Lab, Western University
No classification provided (evidence only). Condition: Ovarian cancer. Review status: no classification provided. Collection method: in vitro. Allele origin: not applicable. Functional consequence: cryptic splice site. Not counted in ClinVar's aggregate classification.

Dr. Peter K. Rogan Lab, Western University
No classification provided (evidence only). Condition: Ovarian cancer. Review status: no classification provided. Collection method: in vitro. Allele origin: not applicable. Functional consequence: cryptic splice site. Not counted in ClinVar's aggregate classification.

NM_004817.4(TJP2):c.61-7316G>A

Gene: TJP2 (tight junction protein 2; plus strand). Cytogenetic location: 9q21.11.
Variant type: single nucleotide variant.
Coding change: c.61-7316G>A on transcript NM_004817.4 (MANE Select); 7316 bases into the intron before coding-DNA position 61, G replaced by A.
Molecular consequence: intron variant. On other transcripts: missense variant (4).
Genome position (GRCh38, 1-based): chr9:69,205,232, G>A. VCF-style: chr9-69205232-G-A. GRCh37 (hg19) VCF-style: chr9-71820148-G-A.
Other names: c.71G>A, p.Arg24His (NM_001170415.1, NM_001170416.2, NM_001369874.1 and 1 more transcripts); c.-9-7316G>A (NM_001170414.2, NM_001369870.1, NM_001369871.1); c.61-7316G>A (NM_201629.3, NM_001369872.1, NM_001369873.1); short protein forms R24H.
Identifiers: ClinVar variation 44104 (VCV000044104.7), dbSNP rs4493966, ClinGen allele CA133579.